The following is an entry in ClinVar:

ClinVar aggregate classification (germline): Pathogenic (1 of 4 stars; one submission).

Conditions:
Meckel-Gruber syndrome. Also called: DYSENCEPHALIA SPLANCHNOCYSTICA; GRUBER SYNDROME; Dysencephalia splachnocystica. Identifiers: Orphanet 564, MedGen C0265215, MONDO:0018921.
Nephronophthisis. Also called: Juvenile Nephronophthisis. Identifiers: Orphanet 655, MedGen C0687120, MONDO:0019005, HP:0000090.
Joubert syndrome. Also called: CEREBELLOPARENCHYMAL DISORDER IV; JOUBERT-BOLTSHAUSER SYNDROME; Familial aplasia of the vermis. Identifiers: Orphanet 475, MedGen C5979921, MONDO:0018772.

Submission:

Labcorp Genetics (formerly Invitae), Labcorp
Classification: Pathogenic for Joubert syndrome; Meckel-Gruber syndrome; Nephronophthisis. Last evaluated: 2019-01-28. Review status: criteria provided, single submitter. Criteria: Invitae Variant Classification Sherloc (09022015). Collection method: clinical testing. Allele origin: germline.
Comment: For these reasons, this variant has been classified as Pathogenic. Loss-of-function variants in CEP290 are known to be pathogenic (PMID: 16909394, 17345604, 20690115). This variant has not been reported in the literature in individuals with CEP290-related conditions. This variant is not present in population databases (ExAC no frequency). This sequence change creates a premature translational stop signal (p.Glu2212*) in the CEP290 gene. It is expected to result in an absent or disrupted protein product.

Literature cited by the submitters: PubMed 16909394; PubMed 17345604; PubMed 20690115.

NM_025114.4(CEP290):c.6634G>T (p.Glu2212Ter)

Gene: CEP290 (centrosomal protein 290; minus strand). Cytogenetic location: 12q21.32.
Variant type: single nucleotide variant.
Coding change: c.6634G>T on transcript NM_025114.4 (MANE Select); coding-DNA position 6634, G replaced by T.
Protein change: p.Glu2212Ter; replaces glutamic acid 2212 with a stop codon.
Molecular consequence: nonsense.
Genome position (GRCh38, 1-based): chr12:88,059,909, C>A on the plus strand (G>T on the coding strand, the complement: CEP290 is on the minus strand). VCF-style: chr12-88059909-C-A. GRCh37 (hg19) VCF-style: chr12-88453686-C-A.
Other names: short protein forms E2212*.
Identifiers: ClinVar variation 849268 (VCV000849268.8), dbSNP rs2034330893, ClinGen allele CA385977934.